The following is an entry in ClinVar:

ClinVar aggregate classification (germline): Uncertain significance (1 of 4 stars; one submission).

Submission:

CeGaT Center for Human Genetics Tuebingen
Classification: Uncertain significance. Last evaluated: 2022-09-01. Review status: criteria provided, single submitter. Criteria: CeGaT Center For Human Genetics Tuebingen Variant Classification Criteria Version 2. Collection method: clinical testing. Allele origin: germline. Affected: yes. Observed: 1 variant allele.
Comment: PDE4D: PM2

NM_001104631.2(PDE4D):c.87dup (p.Lys30fs)

Gene: PDE4D (phosphodiesterase 4D; minus strand). Cytogenetic location: 5q12.1.
Variant type: Duplication.
Coding change: c.87dup on transcript NM_001104631.2 (MANE Select); coding-DNA position 87, one base duplicated (C; older notation c.87dupC).
Protein change: p.Lys30fs; shifts the reading frame from lysine 30.
Molecular consequence: frameshift variant. On other transcripts: intron variant (5).
Genome position (GRCh38, 1-based): chr5:59,893,536, G duplicated on the plus strand (C on the coding strand, the reverse complement: PDE4D is on the minus strand); the first of 5 consecutive G bases (chr5:59,893,536-59,893,540); duplicating any one gives the same sequence. VCF-style (leftmost placement, unchanged base first): chr5-59893535-T-TG. GRCh37 (hg19) VCF-style: chr5-59189362-T-TG.
Other names: c.272+94952dup (NM_001364599.1, NM_001165899.2, NM_001364600.2); c.-240+94952dup (NM_001349243.2); c.242+94952dup (NM_001349241.2); short protein forms K30fs.
Identifiers: ClinVar variation 2655476 (VCV002655476.22), dbSNP rs2534923873, ClinGen allele CA2695198607.